The following is an entry in ClinVar:

NM_006361.6(HOXB13):c.34G>C (p.Ala12Pro)

Gene: HOXB13 (homeobox B13; minus strand). Cytogenetic location: 17q21.32.
Variant type: single nucleotide variant.
Coding change: c.34G>C on transcript NM_006361.6 (MANE Select); coding-DNA position 34, G replaced by C.
Protein change: p.Ala12Pro; replaces alanine 12 with proline.
Molecular consequence: missense variant.
Genome position (GRCh38, 1-based): chr17:48,728,560, C>G on the plus strand (G>C on the coding strand, the complement: HOXB13 is on the minus strand). VCF-style: chr17-48728560-C-G. GRCh37 (hg19) VCF-style: chr17-46805922-C-G.
Other names: short protein forms A12P.
Identifiers: ClinVar variation 4736219 (VCV004736219.1).

ClinVar aggregate classification (germline): Uncertain significance (1 of 4 stars; one submission).

Submission:

Labcorp Genetics (formerly Invitae), Labcorp
Classification: Uncertain significance. Last evaluated: 2026-01-28. Review status: criteria provided, single submitter. Criteria: Invitae Variant Classification Sherloc (09022015). Collection method: clinical testing. Allele origin: germline.
Comment: This sequence change replaces alanine, which is neutral and non-polar, with proline, which is neutral and non-polar, at codon 12 of the HOXB13 protein (p.Ala12Pro). This variant is not present in population databases (gnomAD no frequency). This variant has not been reported in the literature in individuals affected with HOXB13-related conditions. An algorithm developed to predict the effect of missense changes on protein structure and function (PolyPhen-2) suggests that this variant is likely to be tolerated. In summary, the available evidence is currently insufficient to determine the role of this variant in disease. Therefore, it has been classified as a Variant of Uncertain Significance.